The following is an entry in ClinVar:

NM_007194.4(CHEK2):c.1211A>C (p.Tyr404Ser)

Gene: CHEK2 (checkpoint kinase 2; minus strand). Cytogenetic location: 22q12.1.
Variant type: single nucleotide variant.
Coding change: c.1211A>C on transcript NM_007194.4 (MANE Select); coding-DNA position 1211, A replaced by C.
Protein change: p.Tyr404Ser; replaces tyrosine 404 with serine.
Molecular consequence: missense variant.
Genome position (GRCh38, 1-based): chr22:28,695,758, T>G on the plus strand (A>C on the coding strand, the complement: CHEK2 is on the minus strand). VCF-style: chr22-28695758-T-G. GRCh37 (hg19) VCF-style: chr22-29091746-T-G.
Other names: c.1340A>C, p.Tyr447Ser (NM_001005735.3); c.548A>C, p.Tyr183Ser (NM_001257387.3, NM_001437942.1); c.1010A>C, p.Tyr337Ser (NM_001349956.3); c.1304A>C, p.Tyr435Ser (NM_001438293.1); c.1253A>C, p.Tyr418Ser (NM_001438294.1); c.1217A>C, p.Tyr406Ser (NM_001438295.1); c.1124A>C, p.Tyr375Ser (NM_145862.3); short protein forms Y375S, Y435S, Y183S, Y404S, Y406S, Y337S, Y418S, Y447S.
Identifiers: ClinVar variation 4634836 (VCV004634836.1).
Genomic context (GRCh38, chr22:28,695,758, plus strand): 5'-AATATTTCTTACCAGATAAAAAGAATAACTCCTAAACTCCAGCAGTCCACAGCACGGTTA[T>G]ACCCAGCAGTCCCAACAGAAACAAGAACTTCAGGCGCCAAGTAGGTGGGGGTTCCACATA-3'
Protein context (NP_009125.1, residues 394-414): EVLVSVGTAG[Tyr404Ser]NRAVDCWSLG

ClinVar aggregate classification (germline): Uncertain significance (1 of 4 stars; one submission).

Conditions:
Hereditary cancer-predisposing syndrome. Also called: Neoplastic Syndromes, Hereditary; Tumor predisposition; Hereditary Cancer Syndrome; Hereditary neoplastic syndrome. Identifiers: Orphanet 140162, MedGen C0027672, MeSH D009386, MONDO:0015356.

Submission:

Ambry Genetics
Classification: Uncertain significance for Hereditary cancer-predisposing syndrome. Last evaluated: 2025-10-13. Review status: criteria provided, single submitter. Criteria: Ambry Variant Classification Scheme 2023. Collection method: clinical testing. Allele origin: germline.
Comment: The p.Y404S variant (also known as c.1211A>C), located in coding exon 10 of the CHEK2 gene, results from an A to C substitution at nucleotide position 1211. The tyrosine at codon 404 is replaced by serine, an amino acid with dissimilar properties. This amino acid position is conserved. In addition, this alteration is predicted to be deleterious by in silico analysis. Based on the available evidence, the clinical significance of this variant remains unclear.